The following is an entry in ClinVar:

NM_018063.5(HELLS):c.1693A>G (p.Met565Val)

Gene: HELLS (helicase, lymphoid specific; plus strand). Cytogenetic location: 10q23.33.
Variant type: single nucleotide variant.
Coding change: c.1693A>G on transcript NM_018063.5 (MANE Select); coding-DNA position 1693, A replaced by G.
Protein change: p.Met565Val; replaces methionine 565 with valine.
Molecular consequence: missense variant.
Genome position (GRCh38, 1-based): chr10:94,590,702, A>G. VCF-style: chr10-94590702-A-G. GRCh37 (hg19) VCF-style: chr10-96350459-A-G.
Other names: c.1831A>G, p.Met611Val (NM_001289067.2); c.1645A>G, p.Met549Val (NM_001289068.2); c.1597A>G, p.Met533Val (NM_001289069.2); c.1399A>G, p.Met467Val (NM_001289070.2); c.1321A>G, p.Met441Val (NM_001289071.2); c.1303A>G, p.Met435Val (NM_001289072.2); c.1279A>G, p.Met427Val (NM_001289073.2); c.610A>G, p.Met204Val (NM_001289074.2); and 1 more; short protein forms M159V, M549V, M427V, M441V, M533V, M204V, M435V, M565V.
Identifiers: ClinVar variation 1427661 (VCV001427661.8), dbSNP rs2134108011, ClinGen allele CA377666540.
Genomic context (GRCh38, chr10:94,590,702, plus strand): 5'-GTTGTGGAAGTGAATATCCCTGTAGAATCTGAAGTTAATCTGAAGCTGCAGAATATAATG[A>G]TGCTACTTCGTAAATGTTGTAATCATCCATATTTGATTGAATATCCTATAGACCCTGTTA-3'
Protein context (NP_060533.2, residues 555-575): EVNLKLQNIM[Met565Val]LLRKCCNHPY

ClinVar aggregate classification (germline): Uncertain significance (1 of 4 stars; one submission).

Allele frequency attached by ClinVar (database versions not stated): gnomAD exomes 0.00001.
gnomAD v4.1: 10 of 1,606,422 alleles (0.00062%); highest among the groups gnomAD compares: Non-Finnish European, 0.00085%; no homozygotes.

Submission:

Labcorp Genetics (formerly Invitae), Labcorp
Classification: Uncertain significance. Last evaluated: 2022-06-27. Review status: criteria provided, single submitter. Criteria: Invitae Variant Classification Sherloc (09022015). Collection method: clinical testing. Allele origin: germline.
Comment: In summary, the available evidence is currently insufficient to determine the role of this variant in disease. Therefore, it has been classified as a Variant of Uncertain Significance. This sequence change replaces methionine, which is neutral and non-polar, with valine, which is neutral and non-polar, at codon 565 of the HELLS protein (p.Met565Val). This variant is not present in population databases (gnomAD no frequency). This variant has not been reported in the literature in individuals affected with HELLS-related conditions. Algorithms developed to predict the effect of missense changes on protein structure and function are either unavailable or do not agree on the potential impact of this missense change (SIFT: "Deleterious"; PolyPhen-2: "Possibly Damaging"; Align-GVGD: "Class C0").